The following is an entry in ClinVar:

ClinVar aggregate classification (germline): Pathogenic (1 of 4 stars; one submission).

Submission:

Labcorp Genetics (formerly Invitae), Labcorp
Classification: Pathogenic. Last evaluated: 2025-08-06. Review status: criteria provided, single submitter. Criteria: Invitae Variant Classification Sherloc (09022015). Collection method: clinical testing. Allele origin: germline.
Comment: This sequence change creates a premature translational stop signal (p.Glu2155Leufs*2) in the POLE gene. It is expected to result in an absent or disrupted protein product. Loss-of-function variants in POLE are known to be pathogenic (PMID: 23230001, 25948378, 30503519). This variant is not present in population databases (gnomAD no frequency). This variant has not been reported in the literature in individuals affected with POLE-related conditions. ClinVar contains an entry for this variant (Variation ID: 1518181). For these reasons, this variant has been classified as Pathogenic.

Literature cited by the submitters: PubMed 23230001; PubMed 25948378; PubMed 30503519.

NM_006231.4(POLE):c.6462_6478del (p.Glu2155fs)

Gene: POLE (DNA polymerase epsilon, catalytic subunit; minus strand). Cytogenetic location: 12q24.33.
Variant type: Deletion.
Coding change: c.6462_6478del on transcript NM_006231.4 (MANE Select); coding-DNA positions 6462 to 6478, 17 bases deleted (TGAGGTCATCTGCCGCA).
Protein change: p.Glu2155fs; shifts the reading frame from glutamic acid 2155.
Molecular consequence: frameshift variant.
Genome position (GRCh38, 1-based): chr12:132,626,170-132,626,186, TGCGGCAGATGACCTCA deleted on the plus strand (TGAGGTCATCTGCCGCA on the coding strand, the reverse complement: POLE is on the minus strand). VCF-style (leftmost placement, unchanged base first): chr12-132626169-CTGCGGCAGATGACCTCA-C. GRCh37 (hg19) VCF-style: chr12-133202755-CTGCGGCAGATGACCTCA-C.
Other names: short protein forms E2155fs.
Identifiers: ClinVar variation 1518181 (VCV001518181.8), dbSNP rs2138430866, ClinGen allele CA2573148112.
Genomic context (GRCh38, chr12:132,626,169, plus strand): 5'-AGCCGCACCTCTGAGAAGGAAGAGTCTTTACACAGGTCCAGGTCGCGGCAGAAGTTACAG[CTGCGGCAGATGACCTCA>C]GGAAGCACGTAGGAGCGGCAGGGGTCTCGGAACTGGGCCTCCTCGGAGAACTCGCCGACA-3'